The following is an entry in ClinVar:

NM_203447.4(DOCK8):c.24G>C (p.Glu8Asp)

Genes: DOCK8 (dedicator of cytokinesis 8; plus strand), DOCK8-AS1 (DOCK8 antisense RNA 1; minus strand), LOC130001437 (ATAC-STARR-seq lymphoblastoid silent region 19722; plus strand). Cytogenetic location: 9p24.3.
Variant type: single nucleotide variant.
Coding change: c.24G>C on transcript NM_203447.4 (MANE Select); coding-DNA position 24, G replaced by C.
Protein change: p.Glu8Asp; replaces glutamic acid 8 with aspartic acid.
Molecular consequence: missense variant. On other transcripts: non-coding transcript variant (1).
Genome position (GRCh38, 1-based): chr9:215,000, G>C. VCF-style: chr9-215000-G-C. GRCh37 (hg19) VCF-style: chr9-215000-G-C.
Other names: short protein forms E8D.
Identifiers: ClinVar variation 862528 (VCV000862528.10), dbSNP rs780984101, ClinGen allele CA4956908.

ClinVar aggregate classification (germline): Uncertain significance. Review status: criteria provided, multiple submitters, no conflicts (2 of 4 stars). 2 submissions from 2 submitters: Uncertain significance (2). Last evaluated 2024-07-29.

Conditions:
Inborn genetic diseases. Identifiers: MedGen C0950123, MeSH D030342.

Allele frequency attached by ClinVar (database versions not stated): TOPMed below 0.00001; 1000 Genomes Project 30x 0.00016; gnomAD 0.00001; gnomAD exomes 0.00004; ExAC 0.00005.
gnomAD v4.1: 13 of 1,596,240 alleles (0.00081%); highest among the groups gnomAD compares: Admixed American, 0.019%; no homozygotes.

Submissions (2):

Labcorp Genetics (formerly Invitae), Labcorp
Classification: Uncertain significance for Combined immunodeficiency due to DOCK8 deficiency. Last evaluated: 2024-07-29. Review status: criteria provided, single submitter. Criteria: Invitae Variant Classification Sherloc (09022015). Collection method: clinical testing. Allele origin: germline.
Comment: This sequence change replaces glutamic acid, which is acidic and polar, with aspartic acid, which is acidic and polar, at codon 8 of the DOCK8 protein (p.Glu8Asp). This variant is present in population databases (rs780984101, gnomAD 0.02%). This variant has not been reported in the literature in individuals affected with DOCK8-related conditions. ClinVar contains an entry for this variant (Variation ID: 862528). An algorithm developed to predict the effect of missense changes on protein structure and function (PolyPhen-2) suggests that this variant¬†is likely to be tolerated. In summary, the available evidence is currently insufficient to determine the role of this variant in disease. Therefore, it has been classified as a Variant of Uncertain Significance.

Ambry Genetics
Classification: Uncertain significance for Inborn genetic diseases. Last evaluated: 2024-04-27. Review status: criteria provided, single submitter. Criteria: Ambry Variant Classification Scheme 2023. Collection method: clinical testing. Allele origin: germline.